The following is an entry in ClinVar:

ClinVar aggregate classification (germline): Conflicting classifications of pathogenicity. Review status: criteria provided, conflicting classifications (1 of 4 stars). 2 submissions from 2 submitters: Uncertain significance (1); Likely benign (1). Last evaluated 2026-06-22.

Conditions:
Cardiovascular phenotype. Identifiers: MedGen CN230736.
Dilated cardiomyopathy 1KK (CMD1KK). Identifiers: Orphanet 154, Orphanet 75249, MedGen C3714995, MONDO:0014100, OMIM 615248.

Allele frequency attached by ClinVar (database versions not stated): TOPMed below 0.00001; ExAC 0.00002; gnomAD 0.00001; gnomAD exomes 0.00001.
gnomAD v4.1: 20 of 1,613,600 alleles (0.0012%); highest among the groups gnomAD compares: South Asian, 0.02%; no homozygotes.

Submissions (2):

Ambry Genetics
Classification: Uncertain significance for Cardiovascular phenotype. Last evaluated: 2026-06-22. Review status: criteria provided, single submitter. Criteria: Ambry Variant Classification Scheme 2023. Collection method: clinical testing. Allele origin: germline.
Comment: The c.1266C>T variant (also known as p.Y422Y), located in coding exon 5 of the MYPN gene, results from a C to T substitution at nucleotide position 1266. This nucleotide substitution does not change the amino acid at codon 422. This nucleotide position is poorly conserved in available vertebrate species. In silico splice site analysis for this alteration is inconclusive. Based on the available evidence, the clinical significance of this variant remains unclear.

Labcorp Genetics (formerly Invitae), Labcorp
Classification: Likely benign for Dilated cardiomyopathy 1KK. Last evaluated: 2022-12-30. Review status: criteria provided, single submitter. Criteria: Invitae Variant Classification Sherloc (09022015). Collection method: clinical testing. Allele origin: germline.

NM_032578.4(MYPN):c.1266C>T (p.Tyr422=)

Gene: MYPN (myopalladin; plus strand). Cytogenetic location: 10q21.3.
Variant type: single nucleotide variant.
Coding change: c.1266C>T on transcript NM_032578.4 (MANE Select); coding-DNA position 1266, C replaced by T.
Protein change: p.Tyr422=; no amino-acid change (tyrosine 422 retained).
Molecular consequence: synonymous variant. On other transcripts: non-coding transcript variant (2).
Genome position (GRCh38, 1-based): chr10:68,150,060, C>T. VCF-style: chr10-68150060-C-T. GRCh37 (hg19) VCF-style: chr10-69909817-C-T.
Other names: c.1266C>T (NM_032578.2); c.1266C>T, p.Tyr422= (NM_001256267.2); c.384C>T, p.Tyr128= (NM_001256268.2).
Identifiers: ClinVar variation 2900817 (VCV002900817.4), dbSNP rs761101537, ClinGen allele CA5522503.